The following is an entry in ClinVar:

ClinVar aggregate classification (germline): Conflicting classifications of pathogenicity. Review status: criteria provided, conflicting classifications (1 of 4 stars). 2 submissions from 2 submitters: Likely pathogenic (1); Uncertain significance (1). Last evaluated 2022-09-09.

Conditions:
Intellectual disability, autosomal dominant 34 (NEDHSF). Also called: Ceramide Transporter Syndrome; INTELLECTUAL DEVELOPMENTAL DISORDER, AUTOSOMAL DOMINANT 34; NEURODEVELOPMENTAL DISORDER WITH HYPOTONIA, SPEECH DELAY, AND DYSMORPHIC FACIES; CERTRA SYNDROME. Identifiers: MedGen C4225156, MONDO:0014599, OMIM 616351.

Submissions (2):

University of Washington Department of Laboratory Medicine, University of Washington
Classification: Uncertain significance for Intellectual disability, autosomal dominant 34. Last evaluated: 2022-09-09. Review status: criteria provided, single submitter. Criteria: ACMG Guidelines, 2015. Collection method: clinical testing. Allele origin: unknown. Affected: yes.
Comment: The p.Ser266Phe variant in the CERT1 gene has been previously reported de novo in an individual submitted to ClinVar (Variation ID: 996805) with clinical features consistent with CERT1-related neurodevelopmental disorder; however, this individual had a second de novo variant that could also explain their clinical features (personal communication, University Hospital Tübingen). The p.Ser266Phe variant was absent from large population databases, including the Genome Aggregation Database. This variant is in the serine-repeat motif of the CERT protein. Phosphorylation of threonine and serine residues in the serine-repeat motif down-regulates CERT protein activity. Variants affecting other serine residues in this motif (p.Ser260, p.Ser263) have been shown to interfere with phosphorylation resulting in constitutive protein activity (Murakami 2020). A different amino acid change at this residue (p.Ser266Cys) has been previously reported de novo in an individual with neurodevelopmental features (de Ligt 2012). Using ACMG guidelines, this variant was classified as a variant of uncertain significance (ACMG evidence codes used: PS2_moderate, PM1_supporting, PM2_supporting, PM5_supporting).

Institute of Medical Genetics and Applied Genomics, University Hospital Tübingen
Classification: Likely pathogenic. Last evaluated: 2021-02-01. Review status: criteria provided, single submitter. Criteria: ACMG Guidelines, 2015. Collection method: clinical testing. Allele origin: germline. Inheritance: Autosomal dominant inheritance. Affected: yes.

NM_001379029.1(CERT1):c.413C>T (p.Ser138Phe)

Gene: CERT1 (ceramide transporter 1; minus strand). Cytogenetic location: 5q13.3.
Variant type: single nucleotide variant.
Coding change: c.413C>T on transcript NM_001379029.1 (MANE Select); coding-DNA position 413, C replaced by T.
Protein change: p.Ser138Phe; replaces serine 138 with phenylalanine.
Molecular consequence: missense variant.
Genome position (GRCh38, 1-based): chr5:75,426,414, G>A on the plus strand (C>T on the coding strand, the complement: CERT1 is on the minus strand). VCF-style: chr5-75426414-G-A. GRCh37 (hg19) VCF-style: chr5-74722239-G-A.
Other names: c.797C>T, p.Ser266Phe (NM_001130105.1); c.413C>T, p.Ser138Phe (NM_001379002.1, NM_001379003.1, NM_001379004.1 and 2 more transcripts); short protein forms S138F, S266F.
Identifiers: ClinVar variation 996805 (VCV000996805.3), dbSNP rs1763618466, ClinGen allele CA360136939.